The following is an entry in ClinVar:

ClinVar aggregate classification (germline): Likely benign (0 of 4 stars; one submission).

Conditions:
PKD1L1-related disorder. Also called: PKD1L1-related condition.

Allele frequency attached by ClinVar (database versions not stated): gnomAD 0.00007; gnomAD exomes 0.00010; ExAC 0.00023; 1000 Genomes Project 30x 0.00047; 1000 Genomes Project 0.00060.
gnomAD v4.1: 153 of 1,613,774 alleles (0.0095%); highest among the groups gnomAD compares: South Asian, 0.16%; 4 homozygotes.

Submission:

PreventionGenetics, part of Exact Sciences
Classification: Likely benign for PKD1L1-related condition. Last evaluated: 2022-04-10. Review status: no assertion criteria provided. Collection method: clinical testing. Allele origin: germline.
Comment: This variant is classified as likely benign based on ACMG/AMP sequence variant interpretation guidelines (Richards et al. 2015 PMID: 25741868, with internal and published modifications).

NM_138295.5(PKD1L1):c.2200G>A (p.Asp734Asn)

Gene: PKD1L1 (polycystin 1 like 1, transient receptor potential channel interacting; minus strand). Cytogenetic location: 7p12.3.
Variant type: single nucleotide variant.
Coding change: c.2200G>A on transcript NM_138295.5 (MANE Select); coding-DNA position 2200, G replaced by A.
Protein change: p.Asp734Asn; replaces aspartic acid 734 with asparagine.
Molecular consequence: missense variant.
Genome position (GRCh38, 1-based): chr7:47,898,059, C>T on the plus strand (G>A on the coding strand, the complement: PKD1L1 is on the minus strand). VCF-style: chr7-47898059-C-T. GRCh37 (hg19) VCF-style: chr7-47937656-C-T.
Other names: short protein forms D734N.
Identifiers: ClinVar variation 3054538 (VCV003054538.2), dbSNP rs531866650, ClinGen allele CA4253832.
Genomic context (GRCh38, chr7:47,898,059, plus strand): 5'-CAGTGTAGTTCCCATACTCCAAGGTGTGGCTCGGGAGGATGAGGGTCTGTCTGTGAGTGT[C>T]CACAGCAGCAGGGAGGGAGACAGGGAGCCCTTCAGAGTCCATCAAGTTCCAGGTGTAAGA-3'
Protein context (NP_612152.1, residues 724-744): GLPVSLPAAV[Asp734Asn]THRQTLILPS